The following is an entry in ClinVar:

ClinVar aggregate classification (germline): Pathogenic (1 of 4 stars; one submission).

Submission:

ISCA site 4
Classification: Pathogenic. Last evaluated: 2011-08-12. Review status: criteria provided, single submitter. Criteria: Kaminsky et al. (Genet Med. 2011). Collection method: clinical testing. Allele origin: unknown. Affected: yes. Observed: 1 variant allele.
Comment: Copy number variation identified through the course of routine clinical cytogenomic testing in postnatal populations. Clinical assertions have been curated as described in Kaminsky et al. 2011.

GRCh38/hg38 Xp22.33-22.31(chrX:10679-7515914)x0

Genes: AKAP17A (A-kinase anchoring protein 17A; plus strand), ARSD (arylsulfatase D; minus strand), ARSD-AS1 (ARSD antisense RNA 1; plus strand), ARSF (arylsulfatase F; plus strand), ARSH (arylsulfatase family member H; plus strand) and 96 more. Cytogenetic location: Xp22.33-22.31.
Variant type: copy number loss.
Change: copy number 0 of chrX:10,679-7,515,914 (7.51 Mb, GRCh38 coordinates, 1-based), cytogenetic band Xp22.33-22.31.
Identifiers: ClinVar variation 59167 (VCV000059167.1).